The following is an entry in ClinVar:

ClinVar aggregate classification (germline): Uncertain significance (1 of 4 stars; one submission).

Conditions:
Hereditary cancer-predisposing syndrome. Also called: Hereditary Cancer Syndrome; Hereditary neoplastic syndrome; Neoplastic Syndromes, Hereditary; Tumor predisposition. Identifiers: Orphanet 140162, MedGen C0027672, MeSH D009386, MONDO:0015356.

Submission:

Ambry Genetics
Classification: Uncertain significance for Hereditary cancer-predisposing syndrome. Last evaluated: 2021-10-30. Review status: criteria provided, single submitter. Criteria: Ambry Variant Classification Scheme 2023. Collection method: clinical testing. Allele origin: germline.
Comment: The p.L480P variant (also known as c.1439T>C), located in coding exon 5 of the AXIN2 gene, results from a T to C substitution at nucleotide position 1439. The leucine at codon 480 is replaced by proline, an amino acid with similar properties. This amino acid position is conserved. In addition, this alteration is predicted to be tolerated by in silico analysis. Since supporting evidence is limited at this time, the clinical significance of this alteration remains unclear.

NM_004655.4(AXIN2):c.1439T>C (p.Leu480Pro)

Gene: AXIN2 (axin 2; minus strand). Cytogenetic location: 17q24.1.
Variant type: single nucleotide variant.
Coding change: c.1439T>C on transcript NM_004655.4 (MANE Select); coding-DNA position 1439, T replaced by C.
Protein change: p.Leu480Pro; replaces leucine 480 with proline.
Molecular consequence: missense variant.
Genome position (GRCh38, 1-based): chr17:65,537,597, A>G on the plus strand (T>C on the coding strand, the complement: AXIN2 is on the minus strand). VCF-style: chr17-65537597-A-G. GRCh37 (hg19) VCF-style: chr17-63533715-A-G.
Other names: c.1439T>C, p.Leu480Pro (NM_001363813.1); short protein forms L480P.
Identifiers: ClinVar variation 1772666 (VCV001772666.2), dbSNP rs2509414871, ClinGen allele CA400677494.